The following is an entry in ClinVar:

ClinVar aggregate classification (germline): Uncertain significance. Review status: criteria provided, multiple submitters, no conflicts (2 of 4 stars). 2 submissions from 2 submitters: Uncertain significance (2). Last evaluated 2024-08-21.

Conditions:
Charcot-Marie-Tooth disease type 2E (CMT2E). Also called: CHARCOT-MARIE-TOOTH DISEASE, AXONAL, TYPE 2E; CHARCOT-MARIE-TOOTH NEUROPATHY, TYPE 2E. Identifiers: Orphanet 99939, MedGen C1843225, MONDO:0011894, OMIM 607684.

Allele frequency attached by ClinVar (database versions not stated): TOPMed below 0.00001; gnomAD exomes 0.00001; ExAC 0.00005.

Submissions (2):

Labcorp Genetics (formerly Invitae), Labcorp
Classification: Uncertain significance for Charcot-Marie-Tooth disease type 2E. Last evaluated: 2024-08-21. Review status: criteria provided, single submitter. Criteria: Invitae Variant Classification Sherloc (09022015). Collection method: clinical testing. Allele origin: germline.
Comment: This sequence change replaces glutamic acid, which is acidic and polar, with lysine, which is basic and polar, at codon 477 of the NEFL protein (p.Glu477Lys). This variant is present in population databases (rs749163947, gnomAD 0.007%). This variant has not been reported in the literature in individuals affected with NEFL-related conditions. ClinVar contains an entry for this variant (Variation ID: 444741). Invitae Evidence Modeling of protein sequence and biophysical properties (such as structural, functional, and spatial information, amino acid conservation, physicochemical variation, residue mobility, and thermodynamic stability) has been performed for this missense variant. However, the output from this modeling did not meet the statistical confidence thresholds required to predict the impact of this variant on NEFL protein function. In summary, the available evidence is currently insufficient to determine the role of this variant in disease. Therefore, it has been classified as a Variant of Uncertain Significance.

CeGaT Center for Human Genetics Tuebingen
Classification: Uncertain significance. Last evaluated: 2017-02-01. Review status: criteria provided, single submitter. Criteria: CeGaT Center For Human Genetics Tuebingen Variant Classification Criteria Version 2. Collection method: clinical testing. Allele origin: germline. Affected: yes. Observed: 1 variant allele.

NM_006158.5(NEFL):c.1429G>A (p.Glu477Lys)

Gene: NEFL (neurofilament light chain; minus strand). Cytogenetic location: 8p21.2.
Variant type: single nucleotide variant.
Coding change: c.1429G>A on transcript NM_006158.5 (MANE Select); coding-DNA position 1429, G replaced by A.
Protein change: p.Glu477Lys; replaces glutamic acid 477 with lysine.
Molecular consequence: missense variant.
Genome position (GRCh38, 1-based): chr8:24,953,536, C>T on the plus strand (G>A on the coding strand, the complement: NEFL is on the minus strand). VCF-style: chr8-24953536-C-T. GRCh37 (hg19) VCF-style: chr8-24811049-C-T.
Other names: short protein forms E477K.
Identifiers: ClinVar variation 444741 (VCV000444741.47), dbSNP rs749163947, ClinGen allele CA4681274.